The following is an entry in ClinVar:

NM_016216.4(DBR1):c.905T>A (p.Leu302Gln)

Gene: DBR1 (debranching RNA lariats 1; minus strand). Cytogenetic location: 3q22.3.
Variant type: single nucleotide variant.
Coding change: c.905T>A on transcript NM_016216.4 (MANE Select); coding-DNA position 905, T replaced by A.
Protein change: p.Leu302Gln; replaces leucine 302 with glutamine.
Molecular consequence: missense variant.
Genome position (GRCh38, 1-based): chr3:138,163,385, A>T on the plus strand (T>A on the coding strand, the complement: DBR1 is on the minus strand). VCF-style: chr3-138163385-A-T. GRCh37 (hg19) VCF-style: chr3-137882227-A-T.
Other names: short protein forms L302Q.
Identifiers: ClinVar variation 2004944 (VCV002004944.4), dbSNP rs2042916478, ClinGen allele CA354673211.
Genomic context (GRCh38, chr3:138,163,385, plus strand): 5'-GGTCCTAAATAAAGTCTGACTTACCTTGCATGCAGGCCATTATTTTCTGGCATATTCCAC[A>T]GGCGCCCAGTCACATTAATAAGATCATCCGTAGCCCTGAGAATAGTGAGCCATTCAATAT-3'
Protein context (NP_057300.2, residues 292-312): TDDLINVTGR[Leu302Gln]WNMPENNGLH

ClinVar aggregate classification (germline): Uncertain significance (1 of 4 stars; one submission).

Allele frequency attached by ClinVar (database versions not stated): TOPMed below 0.00001.

Submission:

Labcorp Genetics (formerly Invitae), Labcorp
Classification: Uncertain significance. Last evaluated: 2023-07-07. Review status: criteria provided, single submitter. Criteria: Invitae Variant Classification Sherloc (09022015). Collection method: clinical testing. Allele origin: germline.
Comment: This variant is not present in population databases (gnomAD no frequency). This sequence change replaces leucine, which is neutral and non-polar, with glutamine, which is neutral and polar, at codon 302 of the DBR1 protein (p.Leu302Gln). This variant has not been reported in the literature in individuals affected with DBR1-related conditions. In summary, the available evidence is currently insufficient to determine the role of this variant in disease. Therefore, it has been classified as a Variant of Uncertain Significance. Algorithms developed to predict the effect of missense changes on protein structure and function output the following: SIFT: "Not Available"; PolyPhen-2: "Benign"; Align-GVGD: "Not Available". The glutamine amino acid residue is found in multiple mammalian species, which suggests that this missense change does not adversely affect protein function. ClinVar contains an entry for this variant (Variation ID: 2004944).